The following is an entry in ClinVar:

NM_004415.4(DSP):c.3684A>T (p.Lys1228Asn)

Gene: DSP (desmoplakin; plus strand). Cytogenetic location: 6p24.3.
Variant type: single nucleotide variant.
Coding change: c.3684A>T on transcript NM_004415.4 (MANE Select); coding-DNA position 3684, A replaced by T.
Protein change: p.Lys1228Asn; replaces lysine 1228 with asparagine.
Molecular consequence: missense variant. On other transcripts: intron variant (1).
Genome position (GRCh38, 1-based): chr6:7,579,874, A>T. VCF-style: chr6-7579874-A-T. GRCh37 (hg19) VCF-style: chr6-7580107-A-T.
Other names: c.3684A>T, p.Lys1228Asn (NM_001319034.2); c.3582+102A>T (NM_001008844.3); short protein forms K1228N.
Identifiers: ClinVar variation 1984831 (VCV001984831.4), dbSNP rs765645957, ClinGen allele CA362684627.

ClinVar aggregate classification (germline): Uncertain significance (1 of 4 stars; one submission).

Conditions:
Arrhythmogenic cardiomyopathy with wooly hair and keratoderma. Also called: PALMOPLANTAR KERATODERMA WITH LEFT VENTRICULAR CARDIOMYOPATHY AND WOOLLY HAIR; Carvajal syndrome; Arrhythmogenic cardiomyopathy with woolly hair and keratoderma; Dilated cardiomyopathy with woolly hair and keratoderma. Identifiers: Orphanet 65282, MedGen C1854063, MONDO:0011581, OMIM 605676.
Arrhythmogenic right ventricular dysplasia 8 (ARVD8). Also called: ARRHYTHMOGENIC RIGHT VENTRICULAR DYSPLASIA, FAMILIAL, 8; ARRHYTHMOGENIC RIGHT VENTRICULAR CARDIOMYOPATHY 8; Arrhythmogenic Right Ventricular Dysplasia/Cardiomyopathy 8. Identifiers: MedGen C1843896, MONDO:0011831, OMIM 607450.

Submission:

Labcorp Genetics (formerly Invitae), Labcorp
Classification: Uncertain significance for Arrhythmogenic cardiomyopathy with wooly hair and keratoderma; Arrhythmogenic right ventricular dysplasia 8. Last evaluated: 2022-09-27. Review status: criteria provided, single submitter. Criteria: Invitae Variant Classification Sherloc (09022015). Collection method: clinical testing. Allele origin: germline.
Comment: In summary, the available evidence is currently insufficient to determine the role of this variant in disease. Therefore, it has been classified as a Variant of Uncertain Significance. Algorithms developed to predict the effect of missense changes on protein structure and function are either unavailable or do not agree on the potential impact of this missense change (SIFT: "Deleterious"; PolyPhen-2: "Benign"; Align-GVGD: "Class C35"). This variant has not been reported in the literature in individuals affected with DSP-related conditions. This variant is not present in population databases (gnomAD no frequency). This sequence change replaces lysine, which is basic and polar, with asparagine, which is neutral and polar, at codon 1228 of the DSP protein (p.Lys1228Asn).